The following is an entry in ClinVar:

ClinVar aggregate classification (germline): Uncertain significance (1 of 4 stars; one submission).

gnomAD v4.1: 1 of 1,591,500 alleles (0.000063%); highest among the groups gnomAD compares: South Asian, 0.0012%; no homozygotes.

Submission:

Labcorp Genetics (formerly Invitae), Labcorp
Classification: Uncertain significance. Last evaluated: 2025-03-10. Review status: criteria provided, single submitter. Criteria: Invitae Variant Classification Sherloc (09022015). Collection method: clinical testing. Allele origin: germline.
Comment: This sequence change replaces proline, which is neutral and non-polar, with serine, which is neutral and polar, at codon 716 of the COL11A1 protein (p.Pro716Ser). This variant is not present in population databases (gnomAD no frequency). This variant has not been reported in the literature in individuals affected with COL11A1-related conditions. Invitae Evidence Modeling of protein sequence and biophysical properties (such as structural, functional, and spatial information, amino acid conservation, physicochemical variation, residue mobility, and thermodynamic stability) indicates that this missense variant is not expected to disrupt COL11A1 protein function with a negative predictive value of 80%. In summary, the available evidence is currently insufficient to determine the role of this variant in disease. Therefore, it has been classified as a Variant of Uncertain Significance.

NM_001854.4(COL11A1):c.2146C>T (p.Pro716Ser)

Gene: COL11A1 (collagen type XI alpha 1 chain; minus strand). Cytogenetic location: 1p21.1.
Variant type: single nucleotide variant.
Coding change: c.2146C>T on transcript NM_001854.4 (MANE Select); coding-DNA position 2146, C replaced by T.
Protein change: p.Pro716Ser; replaces proline 716 with serine.
Molecular consequence: missense variant. On other transcripts: non-coding transcript variant (1).
Genome position (GRCh38, 1-based): chr1:102,998,360, G>A on the plus strand (C>T on the coding strand, the complement: COL11A1 is on the minus strand). VCF-style: chr1-102998360-G-A. GRCh37 (hg19) VCF-style: chr1-103463916-G-A.
Other names: c.2029C>T, p.Pro677Ser (NM_001190709.2); c.2182C>T, p.Pro728Ser (NM_080629.3); c.1798C>T, p.Pro600Ser (NM_080630.4); short protein forms P600S, P677S, P716S, P728S.
Identifiers: ClinVar variation 4797023 (VCV004797023.1).